The following is an entry in ClinVar:

NM_001190274.2(FBXO11):c.71_97dup (p.Gln24_Pro32dup)

Genes: FBXO11 (F-box protein 11; minus strand), LOC100506235 (uncharacterized LOC100506235; plus strand). Cytogenetic location: 2p16.3.
Variant type: Duplication.
Coding change: c.71_97dup on transcript NM_001190274.2 (MANE Select); coding-DNA positions 71 to 97, 27 bases duplicated (AGCAGCAGCCCCCGCAGCAGCCGCCGC).
Protein change: p.Gln24_Pro32dup.
Molecular consequence: inframe insertion.
Genome position (GRCh38, 1-based): chr2:47,905,624-47,905,650, GCGGCGGCTGCTGCGGGGGCTGCTGCT duplicated on the plus strand (AGCAGCAGCCCCCGCAGCAGCCGCCGC on the coding strand, the reverse complement: FBXO11 is on the minus strand); duplicating any 27 consecutive bases within chr2:47,905,624-47,905,652 gives the same sequence; the c. name uses the placement nearest the transcript's 3' end. VCF-style (leftmost placement, unchanged base first): chr2-47905623-G-GGCGGCGGCTGCTGCGGGGGCTGCTGCT. GRCh37 (hg19) VCF-style: chr2-48132762-G-GGCGGCGGCTGCTGCGGGGGCTGCTGCT.
Identifiers: ClinVar variation 1436885 (VCV001436885.6), dbSNP rs2104140648, ClinGen allele CA2573134940.

ClinVar aggregate classification (germline): Uncertain significance (1 of 4 stars; one submission).

Submission:

Labcorp Genetics (formerly Invitae), Labcorp
Classification: Uncertain significance. Last evaluated: 2022-08-23. Review status: criteria provided, single submitter. Criteria: Invitae Variant Classification Sherloc (09022015). Collection method: clinical testing. Allele origin: germline.
Comment: This variant, c.71_97dup, results in the insertion of 9 amino acid(s) of the FBXO11 protein (p.Gln24_Pro32dup), but otherwise preserves the integrity of the reading frame. This variant is not present in population databases (gnomAD no frequency). This variant has not been reported in the literature in individuals affected with FBXO11-related conditions. ClinVar contains an entry for this variant (Variation ID: 1436885). Experimental studies and prediction algorithms are not available or were not evaluated, and the functional significance of this variant is currently unknown. In summary, the available evidence is currently insufficient to determine the role of this variant in disease. Therefore, it has been classified as a Variant of Uncertain Significance.